The following is an entry in ClinVar:

NM_001211.6(BUB1B):c.1627A>G (p.Ser543Gly)

Gene: BUB1B (BUB1 mitotic checkpoint serine/threonine kinase B; plus strand). Cytogenetic location: 15q15.1.
Variant type: single nucleotide variant.
Coding change: c.1627A>G on transcript NM_001211.6 (MANE Select); coding-DNA position 1627, A replaced by G.
Protein change: p.Ser543Gly; replaces serine 543 with glycine.
Molecular consequence: missense variant.
Genome position (GRCh38, 1-based): chr15:40,202,464, A>G. VCF-style: chr15-40202464-A-G. GRCh37 (hg19) VCF-style: chr15-40494665-A-G.
Other names: short protein forms S543G.
Identifiers: ClinVar variation 3262281 (VCV003262281.1).

ClinVar aggregate classification (germline): Uncertain significance (1 of 4 stars; one submission).

Conditions:
Inborn genetic diseases. Identifiers: MedGen C0950123, MeSH D030342.

Submission:

Ambry Genetics
Classification: Uncertain significance for Inborn genetic diseases. Last evaluated: 2024-06-18. Review status: criteria provided, single submitter. Criteria: Ambry Variant Classification Scheme 2023. Collection method: clinical testing. Allele origin: germline.
Comment: The p.S543G variant (also known as c.1627A>G), located in coding exon 13 of the BUB1B gene, results from an A to G substitution at nucleotide position 1627. The serine at codon 543 is replaced by glycine, an amino acid with similar properties. This amino acid position is conserved. In addition, this alteration is predicted to be tolerated by in silico analysis. Based on the available evidence, the clinical significance of this variant remains unclear.